The following is an entry in ClinVar:

NM_017739.4(POMGNT1):c.1895+1G>C

Genes: POMGNT1 (protein O-linked mannose N-acetylglucosaminyltransferase 1 (beta 1,2-); minus strand), TSPAN1 (tetraspanin 1; plus strand). Cytogenetic location: 1p34.1.
Variant type: single nucleotide variant.
Coding change: c.1895+1G>C on transcript NM_017739.4 (MANE Select); the canonical splice donor site of the intron after coding-DNA position 1895, G replaced by C.
Molecular consequence: splice donor variant. On other transcripts: intron variant (1).
Genome position (GRCh38, 1-based): chr1:46,189,457, C>G on the plus strand (G>C on the coding strand, the complement: POMGNT1 is on the minus strand). VCF-style: chr1-46189457-C-G. GRCh37 (hg19) VCF-style: chr1-46655129-C-G.
Other names: c.1869+27G>C (NM_001243766.2); c.1895+1G>C (NM_001438686.1, NM_001438688.1, NM_001437653.1 and 2 more transcripts); c.1829+1G>C (NM_001290129.3, NM_001438691.1, NM_001438692.1); c.1466+1G>C (NM_001290130.2).
Identifiers: ClinVar variation 557018 (VCV000557018.7), dbSNP rs386834024, ClinGen allele CA340170649.

ClinVar aggregate classification (germline): Pathogenic. Review status: criteria provided, single submitter (1 of 4 stars). 2 submissions from 2 submitters: Pathogenic (1). 1 of the submissions does not count toward it. Last evaluated 2023-03-23.

Conditions:
Muscular dystrophy-dystroglycanopathy (congenital with brain and eye anomalies), type A3. Also called: Congenital muscular dystrophy-dystroglycanopathy with brain and eye anomalies, type A3; Muscular dystrophy-dystroglycanopathy (congenital with brain and eye anomalies), type A, 3; WALKER-WARBURG SYNDROME OR MUSCLE-EYE-BRAIN DISEASE, POMGNT1-RELATED. Identifiers: MedGen C3151519, MONDO:0009667, OMIM 253280.
Muscular dystrophy-dystroglycanopathy (congenital with impaired intellectual development), type B, 3. Also called: Muscular dystrophy-dystroglycanopathy (congenital with intellectual disability), type B3; MUSCULAR DYSTROPHY, CONGENITAL, POMGNT1-RELATED. Identifiers: MedGen C3150412, MONDO:0013155, OMIM 613151.
Autosomal recessive limb-girdle muscular dystrophy type 2O. Also called: Limb-Girdle Muscular Dystrophy Type 3C; MUSCULAR DYSTROPHY-DYSTROGLYCANOPATHY (LIMB-GIRDLE), TYPE C, 3; MUSCULAR DYSTROPHY-DYSTROGLYCANOPATHY, LIMB-GIRDLE, POMGNT1-RELATED. Identifiers: Orphanet 206564, MedGen C3150417, MONDO:0013161, OMIM 613157.

Submissions (2):

Labcorp Genetics (formerly Invitae), Labcorp
Classification: Pathogenic for Autosomal recessive limb-girdle muscular dystrophy type 2O; Muscular dystrophy-dystroglycanopathy (congenital with impaired intellectual development), type B, 3. Last evaluated: 2023-03-23. Review status: criteria provided, single submitter. Criteria: Invitae Variant Classification Sherloc (09022015). Collection method: clinical testing. Allele origin: germline.
Comment: This variant is not present in population databases (gnomAD no frequency). For these reasons, this variant has been classified as Pathogenic. Variants that disrupt the consensus splice site are a relatively common cause of aberrant splicing (PMID: 17576681, 9536098). Studies have shown that disruption of this splice site results in activation of a cryptic splice site and introduces a new termination codon (PMID: 22554691, 28424332). However the mRNA is not expected to undergo nonsense-mediated decay. ClinVar contains an entry for this variant (Variation ID: 557018). Disruption of this splice site has been observed in individual(s) with muscular dystrophy-dystroglycanopathy and/or retinitis pigmentosa (PMID: 22323514, 22554691, 26908613, 28424332). In at least one individual the data is consistent with being in trans (on the opposite chromosome) from a pathogenic variant. This sequence change affects a donor splice site in intron 21 of the POMGNT1 gene. RNA analysis indicates that disruption of this splice site induces altered splicing and likely disrupts the C-terminus of the protein.

Counsyl
Classification: Likely pathogenic for Muscular dystrophy-dystroglycanopathy (congenital with brain and eye anomalies), type A3. Last evaluated: 2018-03-02. Review status: no assertion criteria provided. Collection method: clinical testing. Allele origin: unknown. Not counted in ClinVar's aggregate classification.

Literature cited by the submitters: PubMed 17576681 (cited by Labcorp Genetics (formerly Invitae), Labcorp); PubMed 9536098 (cited by Labcorp Genetics (formerly Invitae), Labcorp); PubMed 22554691 (cited by Labcorp Genetics (formerly Invitae), Labcorp); PubMed 28424332 (cited by Labcorp Genetics (formerly Invitae), Labcorp); PubMed 22323514 (cited by Labcorp Genetics (formerly Invitae), Labcorp); PubMed 26908613 (cited by Labcorp Genetics (formerly Invitae), Labcorp).